The following is an entry in ClinVar:

ClinVar aggregate classification (germline): Uncertain significance (0 of 4 stars; one submission).

Conditions:
BBS12-related disorder. Also called: BBS12-related condition.

gnomAD v4.1: 12 of 1,614,000 alleles (0.00074%); highest among the groups gnomAD compares: Non-Finnish European, 0.001%; no homozygotes.

Submission:

PreventionGenetics, part of Exact Sciences
Classification: Uncertain significance for BBS12-related condition. Last evaluated: 2023-12-15. Review status: no assertion criteria provided. Collection method: clinical testing. Allele origin: germline.
Comment: The BBS12 c.1889G>T variant is predicted to result in the amino acid substitution p.Gly630Val. To our knowledge, this variant has not been reported in the literature. This variant is reported in 0.00088% of alleles in individuals of European (Non-Finnish) descent in gnomAD. At this time, the clinical significance of this variant is uncertain due to the absence of conclusive functional and genetic evidence.

NM_152618.3(BBS12):c.1889G>T (p.Gly630Val)

Gene: BBS12 (Bardet-Biedl syndrome 12; plus strand). Cytogenetic location: 4q27.
Variant type: single nucleotide variant.
Coding change: c.1889G>T on transcript NM_152618.3 (MANE Select); coding-DNA position 1889, G replaced by T.
Protein change: p.Gly630Val; replaces glycine 630 with valine.
Molecular consequence: missense variant.
Genome position (GRCh38, 1-based): chr4:122,743,781, G>T. VCF-style: chr4-122743781-G-T. GRCh37 (hg19) VCF-style: chr4-123664936-G-T.
Other names: c.1889G>T, p.Gly630Val (NM_001178007.2); short protein forms G630V.
Identifiers: ClinVar variation 3349810 (VCV003349810.1).